The following is an entry in ClinVar:

ClinVar aggregate classification (germline): Likely benign (1 of 4 stars; one submission).

Allele frequency attached by ClinVar (database versions not stated): 1000 Genomes Project 0.00919; 1000 Genomes Project 30x 0.00937; gnomAD 0.00939 and 0.01007; TOPMed 0.01053.
gnomAD v4.1: 1,407 of 152,196 alleles (0.92%); highest among the groups gnomAD compares: African/African-American, 3.2%; 21 homozygotes.

Submission:

GeneDx
Classification: Likely benign. Last evaluated: 2018-06-14. Review status: criteria provided, single submitter. Criteria: GeneDx Variant Classification (06012015). Collection method: clinical testing. Allele origin: germline. Affected: yes.
Comment: This variant is considered likely benign or benign based on one or more of the following criteria: it is a conservative change, it occurs at a poorly conserved position in the protein, it is predicted to be benign by multiple in silico algorithms, and/or has population frequency not consistent with disease.

NM_000393.5(COL5A2):c.2230-197G>A

Gene: COL5A2 (collagen type V alpha 2 chain; minus strand). Cytogenetic location: 2q32.2.
Variant type: single nucleotide variant.
Coding change: c.2230-197G>A on transcript NM_000393.5 (MANE Select); 197 bases into the intron before coding-DNA position 2230, G replaced by A.
Molecular consequence: intron variant.
Genome position (GRCh38, 1-based): chr2:189,057,624, C>T on the plus strand (G>A on the coding strand, the complement: COL5A2 is on the minus strand). VCF-style: chr2-189057624-C-T. GRCh37 (hg19) VCF-style: chr2-189922350-C-T.
Identifiers: ClinVar variation 676073 (VCV000676073.1), dbSNP rs73978814, ClinGen allele CA62599600.
Genomic context (GRCh38, chr2:189,057,624, plus strand): 5'-AGTTGTCTCTGAGTGAGTTGATATTTTGAAATTAAAAAAACCAGATTTTGTTTTTGATTG[C>T]TGCTTTATATTTTTAACTTTTCTCTTAAGAGGCAATTGAACGCTATTTCAAATAAAAAGG-3'